The following is an entry in ClinVar:

NM_001142800.2(EYS):c.7667G>A (p.Ser2556Asn)

Gene: EYS (EGF-like photoreceptor maintenance factor; minus strand). Cytogenetic location: 6q12.
Variant type: single nucleotide variant.
Coding change: c.7667G>A on transcript NM_001142800.2 (MANE Select); coding-DNA position 7667, G replaced by A.
Protein change: p.Ser2556Asn; replaces serine 2556 with asparagine.
Molecular consequence: missense variant.
Genome position (GRCh38, 1-based): chr6:63,788,161, C>T on the plus strand (G>A on the coding strand, the complement: EYS is on the minus strand). VCF-style: chr6-63788161-C-T. GRCh37 (hg19) VCF-style: chr6-64498054-C-T.
Other names: c.7667G>A, p.Ser2556Asn (NM_001292009.2); short protein forms S2556N.
Identifiers: ClinVar variation 2416926 (VCV002416926.6), dbSNP rs368440268, ClinGen allele CA140243938.

ClinVar aggregate classification (germline): Uncertain significance (1 of 4 stars; one submission).

Allele frequency attached by ClinVar (database versions not stated): gnomAD exomes below 0.00001; TOPMed below 0.00001; gnomAD 0.00001.
gnomAD v4.1: 7 of 1,549,246 alleles (0.00045%); highest among the groups gnomAD compares: Admixed American, 0.0059%; no homozygotes.

Submission:

Labcorp Genetics (formerly Invitae), Labcorp
Classification: Uncertain significance. Last evaluated: 2022-01-07. Review status: criteria provided, single submitter. Criteria: Invitae Variant Classification Sherloc (09022015). Collection method: clinical testing. Allele origin: germline.
Comment: In summary, the available evidence is currently insufficient to determine the role of this variant in disease. Therefore, it has been classified as a Variant of Uncertain Significance. This sequence change replaces serine, which is neutral and polar, with asparagine, which is neutral and polar, at codon 2556 of the EYS protein (p.Ser2556Asn). This variant is not present in population databases (gnomAD no frequency). This variant has not been reported in the literature in individuals affected with EYS-related conditions. Algorithms developed to predict the effect of missense changes on protein structure and function output the following: SIFT: "Tolerated"; PolyPhen-2: "Benign"; Align-GVGD: "Class C0". The asparagine amino acid residue is found in multiple mammalian species, which suggests that this missense change does not adversely affect protein function.